The following is an entry in ClinVar:

ClinVar aggregate classification (germline): Uncertain significance (1 of 4 stars; one submission).

Allele frequency attached by ClinVar (database versions not stated): ExAC 0.00002; gnomAD exomes 0.00003.
gnomAD v4.1: 27 of 1,610,928 alleles (0.0017%); highest among the groups gnomAD compares: Admixed American, 0.017%; no homozygotes.

Submission:

Labcorp Genetics (formerly Invitae), Labcorp
Classification: Uncertain significance. Last evaluated: 2025-12-15. Review status: criteria provided, single submitter. Criteria: Invitae Variant Classification Sherloc (09022015). Collection method: clinical testing. Allele origin: germline.
Comment: This sequence change replaces valine, which is neutral and non-polar, with methionine, which is neutral and non-polar, at codon 2470 of the DCHS1 protein (p.Val2470Met). This variant is present in population databases (rs755522289, gnomAD 0.02%). This variant has not been reported in the literature in individuals affected with DCHS1-related conditions. ClinVar contains an entry for this variant (Variation ID: 1362412). Invitae Evidence Modeling of protein sequence and biophysical properties (such as structural, functional, and spatial information, amino acid conservation, physicochemical variation, residue mobility, and thermodynamic stability) indicates that this missense variant is not expected to disrupt DCHS1 protein function with a negative predictive value of 80%. In summary, the available evidence is currently insufficient to determine the role of this variant in disease. Therefore, it has been classified as a Variant of Uncertain Significance.

NM_003737.4(DCHS1):c.7408G>A (p.Val2470Met)

Gene: DCHS1 (dachsous cadherin-related 1; minus strand). Cytogenetic location: 11p15.4.
Variant type: single nucleotide variant.
Coding change: c.7408G>A on transcript NM_003737.4 (MANE Select); coding-DNA position 7408, G replaced by A.
Protein change: p.Val2470Met; replaces valine 2470 with methionine.
Molecular consequence: missense variant.
Genome position (GRCh38, 1-based): chr11:6,624,268, C>T on the plus strand (G>A on the coding strand, the complement: DCHS1 is on the minus strand). VCF-style: chr11-6624268-C-T. GRCh37 (hg19) VCF-style: chr11-6645499-C-T.
Other names: short protein forms V2470M.
Identifiers: ClinVar variation 1362412 (VCV001362412.8), dbSNP rs755522289, ClinGen allele CA5859611.
Genomic context (GRCh38, chr11:6,624,268, plus strand): 5'-CCACACGGTAGTGTGACAATGTGAAGCTCGGGGCGTGGTCGTTCTGGTCCTGCAGCTGCA[C>T]GTGCACTGTGGCTCGTGCTGCCCGGCCTGGAGCCCCGTGGTCTCGTGCTTCCAGCACCAC-3'
Protein context (NP_003728.1, residues 2460-2480): PGRAARATVH[Val2470Met]QLQDQNDHAP